The following is an entry in ClinVar:

ClinVar aggregate classification (germline): Uncertain significance (1 of 4 stars; one submission).

Allele frequency attached by ClinVar (database versions not stated): gnomAD exomes below 0.00001; ExAC 0.00001.

Submission:

Labcorp Genetics (formerly Invitae), Labcorp
Classification: Uncertain significance. Last evaluated: 2023-07-20. Review status: criteria provided, single submitter. Criteria: Invitae Variant Classification Sherloc (09022015). Collection method: clinical testing. Allele origin: germline.
Comment: This variant has not been reported in the literature in individuals affected with RHOBTB2-related conditions. This sequence change replaces arginine, which is basic and polar, with glutamine, which is neutral and polar, at codon 179 of the RHOBTB2 protein (p.Arg179Gln). This variant is present in population databases (rs761495785, gnomAD 0.005%). Advanced modeling of protein sequence and biophysical properties (such as structural, functional, and spatial information, amino acid conservation, physicochemical variation, residue mobility, and thermodynamic stability) performed at Invitae indicates that this missense variant is not expected to disrupt RHOBTB2 protein function. In summary, the available evidence is currently insufficient to determine the role of this variant in disease. Therefore, it has been classified as a Variant of Uncertain Significance.

NM_015178.3(RHOBTB2):c.470G>A (p.Arg157Gln)

Gene: RHOBTB2 (Rho related BTB domain containing 2; plus strand). Cytogenetic location: 8p21.3.
Variant type: single nucleotide variant.
Coding change: c.470G>A on transcript NM_015178.3 (MANE Select); coding-DNA position 470, G replaced by A.
Protein change: p.Arg157Gln; replaces arginine 157 with glutamine.
Molecular consequence: missense variant.
Genome position (GRCh38, 1-based): chr8:23,006,133, G>A. VCF-style: chr8-23006133-G-A. GRCh37 (hg19) VCF-style: chr8-22863646-G-A.
Other names: c.536G>A, p.Arg179Gln (NM_001160036.2); c.491G>A, p.Arg164Gln (NM_001160037.2); c.470G>A, p.Arg157Gln (NM_001374791.1); short protein forms R164Q, R157Q, R179Q.
Identifiers: ClinVar variation 2745472 (VCV002745472.3), dbSNP rs761495785, ClinGen allele CA4672455.